The following is an entry in ClinVar:

NM_000264.5(PTCH1):c.256C>G (p.Leu86Val)

Gene: PTCH1 (patched 1; minus strand). Cytogenetic location: 9q22.32.
Variant type: single nucleotide variant.
Coding change: c.256C>G on transcript NM_000264.5 (MANE Select); coding-DNA position 256, C replaced by G.
Protein change: p.Leu86Val; replaces leucine 86 with valine.
Molecular consequence: missense variant. On other transcripts: 5 prime UTR variant (4), non-coding transcript variant (1).
Genome position (GRCh38, 1-based): chr9:95,506,545, G>C on the plus strand (C>G on the coding strand, the complement: PTCH1 is on the minus strand). VCF-style: chr9-95506545-G-C. GRCh37 (hg19) VCF-style: chr9-98268827-G-C.
Other names: c.58C>G, p.Leu20Val (NM_001083602.3, NM_001354919.2); c.253C>G, p.Leu85Val (NM_001083603.3); c.-198C>G (NM_001083604.3, NM_001083605.3, NM_001083606.3 and 1 more transcripts); c.256C>G, p.Leu86Val (NM_001354918.2); short protein forms L20V, L85V, L86V.
Identifiers: ClinVar variation 4862675 (VCV004862675.1).

ClinVar aggregate classification (germline): Uncertain significance (1 of 4 stars; one submission).

Conditions:
Hereditary cancer-predisposing syndrome. Also called: Neoplastic Syndromes, Hereditary; Tumor predisposition; Hereditary Cancer Syndrome; Hereditary neoplastic syndrome. Identifiers: Orphanet 140162, MedGen C0027672, MeSH D009386, MONDO:0015356.

Submission:

Ambry Genetics
Classification: Uncertain significance for Hereditary cancer-predisposing syndrome. Last evaluated: 2026-04-18. Review status: criteria provided, single submitter. Criteria: Ambry Variant Classification Scheme 2023. Collection method: clinical testing. Allele origin: germline.
Comment: The p.L86V variant (also known as c.256C>G), located in coding exon 2 of the PTCH1 gene, results from a C to G substitution at nucleotide position 256. The leucine at codon 86 is replaced by valine, an amino acid with highly similar properties. This amino acid position is conserved. In addition, the in silico prediction for this alteration is inconclusive. Based on the available evidence, the clinical significance of this variant remains unclear.